The following is an entry in ClinVar:

ClinVar aggregate classification (germline): Uncertain significance (1 of 4 stars; one submission).

gnomAD v4.1: 1 of 1,613,898 alleles (0.000062%); highest among the groups gnomAD compares: Non-Finnish European, 0.000085%; no homozygotes.

Submission:

GeneDx
Classification: Uncertain significance. Last evaluated: 2025-06-03. Review status: criteria provided, single submitter. Criteria: GeneDx Variant Classification Process June 2021. Collection method: clinical testing. Allele origin: germline. Affected: yes.
Comment: Not observed at significant frequency in large population cohorts (gnomAD); In silico analysis supports that this missense variant has a deleterious effect on protein structure/function; Has not been previously published as pathogenic or benign to our knowledge; Not located in one of the three hot-spot regions of the RYR2 gene, where the majority of pathogenic missense variants occur (PMID: 19926015); This variant is associated with the following publications: (PMID: 19926015)

NM_001035.3(RYR2):c.5765T>C (p.Ile1922Thr)

Gene: RYR2 (ryanodine receptor 2; plus strand). Cytogenetic location: 1q43.
Variant type: single nucleotide variant.
Coding change: c.5765T>C on transcript NM_001035.3 (MANE Select); coding-DNA position 5765, T replaced by C.
Protein change: p.Ile1922Thr; replaces isoleucine 1922 with threonine.
Molecular consequence: missense variant.
Genome position (GRCh38, 1-based): chr1:237,617,335, T>C. VCF-style: chr1-237617335-T-C. GRCh37 (hg19) VCF-style: chr1-237780635-T-C.
Other names: short protein forms I1922T.
Identifiers: ClinVar variation 4536571 (VCV004536571.1).
Genomic context (GRCh38, chr1:237,617,335, plus strand): 5'-TGGTCTCTTAGATGTGCCTACTGCTTCAGTACCTCTGTGACTGCCAGGTCCGGCACCGGA[T>C]AGAAGCCATTGTAGCCTTTTCAGATGATTTTGTGGCTAAGCTCCAAGACAATCAACGTTT-3'
Protein context (NP_001026.2, residues 1912-1932): YLCDCQVRHR[Ile1922Thr]EAIVAFSDDF